The following is an entry in ClinVar:

ClinVar aggregate classification (germline): Uncertain significance (1 of 4 stars; one submission).

Submission:

GeneDx
Classification: Uncertain significance. Last evaluated: 2025-04-17. Review status: criteria provided, single submitter. Criteria: GeneDx Variant Classification Process June 2021. Collection method: clinical testing. Allele origin: germline.
Comment: Not observed at significant frequency in large population cohorts (gnomAD); In silico analysis supports that this missense variant has a deleterious effect on protein structure/function; Has not been previously published as pathogenic or benign to our knowledge

NM_002661.5(PLCG2):c.2323A>G (p.Lys775Glu)

Gene: PLCG2 (phospholipase C gamma 2; plus strand). Cytogenetic location: 16q23.3.
Variant type: single nucleotide variant.
Coding change: c.2323A>G on transcript NM_002661.5 (MANE Select); coding-DNA position 2323, A replaced by G.
Protein change: p.Lys775Glu; replaces lysine 775 with glutamic acid.
Molecular consequence: missense variant.
Genome position (GRCh38, 1-based): chr16:81,923,500, A>G. VCF-style: chr16-81923500-A-G. GRCh37 (hg19) VCF-style: chr16-81957105-A-G.
Other names: c.2323A>G, p.Lys775Glu (NM_001425749.1, NM_001425750.1, NM_001425751.1); short protein forms K775E.
Identifiers: ClinVar variation 3359530 (VCV003359530.2).